The following is an entry in ClinVar:

ClinVar aggregate classification (germline): Benign (0 of 4 stars; one submission).

Conditions:
EMILIN1-related disorder. Also called: EMILIN1-related condition.

Allele frequency attached by ClinVar (database versions not stated): ExAC 0.00449; gnomAD 0.01354; 1000 Genomes Project 0.01438; 1000 Genomes Project 30x 0.01577; ESP Exome Variant Server 0.01584.

Submission:

PreventionGenetics, part of Exact Sciences
Classification: Benign for EMILIN1-related condition. Last evaluated: 2019-12-05. Review status: no assertion criteria provided. Collection method: clinical testing. Allele origin: germline.
Comment: This variant is classified as benign based on ACMG/AMP sequence variant interpretation guidelines (Richards et al. 2015 PMID: 25741868, with internal and published modifications).

NM_007046.4(EMILIN1):c.2244C>A (p.Arg748=)

Gene: EMILIN1 (elastin microfibril interfacer 1; plus strand). Cytogenetic location: 2p23.3.
Variant type: single nucleotide variant.
Coding change: c.2244C>A on transcript NM_007046.4 (MANE Select); coding-DNA position 2244, C replaced by A.
Protein change: p.Arg748=; no amino-acid change (arginine 748 retained).
Molecular consequence: synonymous variant.
Genome position (GRCh38, 1-based): chr2:27,083,815, C>A. VCF-style: chr2-27083815-C-A. GRCh37 (hg19) VCF-style: chr2-27306683-C-A.
Identifiers: ClinVar variation 3034471 (VCV003034471.2), dbSNP rs34638599, ClinGen allele CA1568877.